The following is an entry in ClinVar:

ClinVar aggregate classification (germline): Likely benign (0 of 4 stars; one submission).

Conditions:
NTRK2-related disorder. Also called: NTRK2-related condition.

Submission:

PreventionGenetics, part of Exact Sciences
Classification: Likely benign for NTRK2-related condition. Last evaluated: 2024-05-24. Review status: no assertion criteria provided. Collection method: clinical testing. Allele origin: germline.
Comment: This variant is classified as likely benign based on ACMG/AMP sequence variant interpretation guidelines (Richards et al. 2015 PMID: 25741868, with internal and published modifications).

NM_006180.6(NTRK2):c.705G>T (p.Leu235=)

Gene: NTRK2 (neurotrophic receptor tyrosine kinase 2; plus strand). Cytogenetic location: 9q21.33.
Variant type: single nucleotide variant.
Coding change: c.705G>T on transcript NM_006180.6 (MANE Select); coding-DNA position 705, G replaced by T.
Protein change: p.Leu235=; no amino-acid change (leucine 235 retained).
Molecular consequence: synonymous variant.
Genome position (GRCh38, 1-based): chr9:84,723,694, G>T. VCF-style: chr9-84723694-G-T. GRCh37 (hg19) VCF-style: chr9-87338609-G-T.
Other names: c.705G>T, p.Leu235= (NM_001007097.3, NM_001018064.3, NM_001018065.2 and 18 more transcripts); c.237G>T, p.Leu79= (NM_001369535.1, NM_001369536.1, NM_001369550.1 and 2 more transcripts).
Identifiers: ClinVar variation 3356151 (VCV003356151.1).
Genomic context (GRCh38, chr9:84,723,694, plus strand): 5'-ATTATCCTGTAGTGTGGCAGGTGATCCGGTTCCTAATATGTATTGGGATGTTGGTAACCT[G>T]GTTTCCAAACATATGGTAAGGCTTGTGTTTGGCTGTGTCTTAATAGAGAGACAAGAGTGT-3'
Protein context (NP_006171.2, residues 225-245): VPNMYWDVGN[Leu235=]VSKHMNETSH